The following is an entry in ClinVar:

ClinVar aggregate classification (germline): Likely benign. Review status: criteria provided, multiple submitters, no conflicts (2 of 4 stars). 2 submissions from 2 submitters: Likely benign (2). Last evaluated 2026-06-01.

Allele frequency attached by ClinVar (database versions not stated): gnomAD exomes 0.00003; TOPMed 0.00003; gnomAD 0.00004 and 0.00005; ExAC 0.00005.
gnomAD v4.1: 37 of 1,610,204 alleles (0.0023%); highest among the groups gnomAD compares: East Asian, 0.013%; no homozygotes.

Submissions (2):

CeGaT Center for Human Genetics Tuebingen
Classification: Likely benign. Last evaluated: 2026-06-01. Review status: criteria provided, single submitter. Criteria: CeGaT Center For Human Genetics Tuebingen Variant Classification Criteria Version 2. Collection method: clinical testing. Allele origin: germline. Affected: yes. Observed: 1 variant allele.
Comment: CPLANE1: BP4, BP7

Labcorp Genetics (formerly Invitae), Labcorp
Classification: Likely benign. Last evaluated: 2022-10-18. Review status: criteria provided, single submitter. Criteria: Invitae Variant Classification Sherloc (09022015). Collection method: clinical testing. Allele origin: germline.

NM_001384732.1(CPLANE1):c.9375G>A (p.Thr3125=)

Gene: CPLANE1 (ciliogenesis and planar polarity effector complex subunit 1; minus strand). Cytogenetic location: 5p13.2.
Variant type: single nucleotide variant.
Coding change: c.9375G>A on transcript NM_001384732.1 (MANE Select); coding-DNA position 9375, G replaced by A.
Protein change: p.Thr3125=; no amino-acid change (threonine 3125 retained).
Molecular consequence: synonymous variant.
Genome position (GRCh38, 1-based): chr5:37,114,985, C>T on the plus strand (G>A on the coding strand, the complement: CPLANE1 is on the minus strand). VCF-style: chr5-37114985-C-T. GRCh37 (hg19) VCF-style: chr5-37115087-C-T.
Other names: c.9213G>A, p.Thr3071= (NM_023073.4).
Identifiers: ClinVar variation 1566611 (VCV001566611.10), dbSNP rs572694714, ClinGen allele CA3237488.